The following is an entry in ClinVar:

ClinVar aggregate classification (germline): Likely benign (1 of 4 stars; one submission).

Allele frequency attached by ClinVar (database versions not stated): 1000 Genomes Project 30x 0.00109; 1000 Genomes Project 0.00120; ExAC 0.00185; gnomAD 0.00192; ESP Exome Variant Server 0.00269.
gnomAD v4.1: 4,608 of 1,614,100 alleles (0.29%); highest among the groups gnomAD compares: Non-Finnish European, 0.35%; 14 homozygotes.

Submission:

CeGaT Center for Human Genetics Tuebingen
Classification: Likely benign. Last evaluated: 2022-03-01. Review status: criteria provided, single submitter. Criteria: CeGaT Center For Human Genetics Tuebingen Variant Classification Criteria Version 2. Collection method: clinical testing. Allele origin: germline. Affected: yes. Observed: 1 variant allele.
Comment: ERN2: BP4, BP7

NM_033266.4(ERN2):c.210C>T (p.Ile70=)

Gene: ERN2 (endoplasmic reticulum to nucleus signaling 2; minus strand). Cytogenetic location: 16p12.2.
Variant type: single nucleotide variant.
Coding change: c.210C>T on transcript NM_033266.4 (MANE Select); coding-DNA position 210, C replaced by T.
Protein change: p.Ile70=; no amino-acid change (isoleucine 70 retained).
Molecular consequence: synonymous variant.
Genome position (GRCh38, 1-based): chr16:23,710,539, G>A on the plus strand (C>T on the coding strand, the complement: ERN2 is on the minus strand). VCF-style: chr16-23710539-G-A. GRCh37 (hg19) VCF-style: chr16-23721860-G-A.
Other names: c.210C>T, p.Ile70= (NM_001308220.2).
Identifiers: ClinVar variation 2646330 (VCV002646330.24), dbSNP rs56006159, ClinGen allele CA7965639.